The following is an entry in ClinVar:

NM_000268.4(NF2):c.74G>C (p.Arg25Thr)

Gene: NF2 (NF2, moesin-ezrin-radixin like (MERLIN) tumor suppressor; plus strand). Cytogenetic location: 22q12.2.
Variant type: single nucleotide variant.
Coding change: c.74G>C on transcript NM_000268.4 (MANE Select); coding-DNA position 74, G replaced by C.
Protein change: p.Arg25Thr; replaces arginine 25 with threonine.
Molecular consequence: missense variant. On other transcripts: 5 prime UTR variant (4), non-coding transcript variant (1).
Genome position (GRCh38, 1-based): chr22:29,604,072, G>C. VCF-style: chr22-29604072-G-C. GRCh37 (hg19) VCF-style: chr22-30000061-G-C.
Other names: c.-157G>C (NM_001407053.1, NM_001407056.1); c.74G>C, p.Arg25Thr (NM_001407054.1, NM_001407055.1, NM_001407057.1 and 15 more transcripts); c.-567G>C (NM_001407065.1); c.-183G>C (NM_001407067.1); short protein forms R25T.
Identifiers: ClinVar variation 4746844 (VCV004746844.1).

ClinVar aggregate classification (germline): Uncertain significance (1 of 4 stars; one submission).

Conditions:
Neurofibromatosis, type 2 (SWNV). Also called: BILATERAL ACOUSTIC NEUROFIBROMATOSIS; NF2-Related Schwannomatosis; SCHWANNOMATOSIS, VESTIBULAR. Identifiers: Orphanet 637, MedGen C0027832, MONDO:0007039, OMIM 101000. Disease mechanism: loss of function.

Submission:

Labcorp Genetics (formerly Invitae), Labcorp
Classification: Uncertain significance for Neurofibromatosis, type 2. Last evaluated: 2025-05-08. Review status: criteria provided, single submitter. Criteria: Invitae Variant Classification Sherloc (09022015). Collection method: clinical testing. Allele origin: germline.
Comment: This sequence change replaces arginine, which is basic and polar, with threonine, which is neutral and polar, at codon 25 of the NF2 protein (p.Arg25Thr). This variant is not present in population databases (gnomAD no frequency). This variant has not been reported in the literature in individuals affected with NF2-related conditions. Invitae Evidence Modeling of protein sequence and biophysical properties (such as structural, functional, and spatial information, amino acid conservation, physicochemical variation, residue mobility, and thermodynamic stability) indicates that this missense variant is not expected to disrupt NF2 protein function with a negative predictive value of 80%. In summary, the available evidence is currently insufficient to determine the role of this variant in disease. Therefore, it has been classified as a Variant of Uncertain Significance.